The following is an entry in ClinVar:

ClinVar aggregate classification (germline): Uncertain significance (1 of 4 stars; one submission).

Conditions:
Familial hemiplegic migraine. Identifiers: MedGen C0338484, MONDO:0000700.

Submission:

Labcorp Genetics (formerly Invitae), Labcorp
Classification: Uncertain significance for Familial hemiplegic migraine. Last evaluated: 2022-08-31. Review status: criteria provided, single submitter. Criteria: Invitae Variant Classification Sherloc (09022015). Collection method: clinical testing. Allele origin: germline.
Comment: In summary, the available evidence is currently insufficient to determine the role of this variant in disease. Therefore, it has been classified as a Variant of Uncertain Significance. This variant has not been reported in the literature in individuals affected with ATP1A2-related conditions. This variant is a gross deletion of the genomic region encompassing exon(s) 14-23 of the ATP1A2 gene, which includes the termination codon. This deletion extends beyond the assayed region for this gene and therefore may encompass additional genes. While this deletion is not anticipated to lead to nonsense mediated decay, it is expected to alter mRNA translation or result in a truncated protein product.

NC_000001.10:g.(?_160104264)_(160111112_?)del

Gene: ATP1A2 (ATPase Na+/K+ transporting subunit alpha 2; plus strand). Cytogenetic location: 1q23.2.
Variant type: Deletion.
Identifiers: ClinVar variation 1448235 (VCV001448235.7).